The following is an entry in ClinVar:

NM_001365088.1(SLC12A6):c.1076A>G (p.Tyr359Cys)

Gene: SLC12A6 (solute carrier family 12 member 6; minus strand). Cytogenetic location: 15q14.
Variant type: single nucleotide variant.
Coding change: c.1076A>G on transcript NM_001365088.1 (MANE Select); coding-DNA position 1076, A replaced by G.
Protein change: p.Tyr359Cys; replaces tyrosine 359 with cysteine.
Molecular consequence: missense variant.
Genome position (GRCh38, 1-based): chr15:34,254,390, T>C on the plus strand (A>G on the coding strand, the complement: SLC12A6 is on the minus strand). VCF-style: chr15-34254390-T-C. GRCh37 (hg19) VCF-style: chr15-34546591-T-C.
Other names: c.899A>G, p.Tyr300Cys (NM_001042494.2, NM_001042495.2); c.1049A>G, p.Tyr350Cys (NM_001042496.2); c.1031A>G, p.Tyr344Cys (NM_001042497.2); c.923A>G, p.Tyr308Cys (NM_005135.2); c.1076A>G, p.Tyr359Cys (NM_133647.2); short protein forms Y359C, Y300C, Y308C, Y344C, Y350C.
Identifiers: ClinVar variation 2190517 (VCV002190517.3), dbSNP rs779659902, ClinGen allele CA7464414.

ClinVar aggregate classification (germline): Uncertain significance (1 of 4 stars; one submission).

Allele frequency attached by ClinVar (database versions not stated): gnomAD 0.00001; gnomAD exomes 0.00001; TOPMed 0.00001; ExAC 0.00003.
gnomAD v4.1: 11 of 1,613,658 alleles (0.00068%); highest among the groups gnomAD compares: Admixed American, 0.013%; no homozygotes.

Submission:

Labcorp Genetics (formerly Invitae), Labcorp
Classification: Uncertain significance. Last evaluated: 2025-11-30. Review status: criteria provided, single submitter. Criteria: Invitae Variant Classification Sherloc (09022015). Collection method: clinical testing. Allele origin: germline.
Comment: This sequence change replaces tyrosine, which is neutral and polar, with cysteine, which is neutral and slightly polar, at codon 359 of the SLC12A6 protein (p.Tyr359Cys). This variant is present in population databases (rs779659902, gnomAD 0.02%). This variant has not been reported in the literature in individuals affected with SLC12A6-related conditions. ClinVar contains an entry for this variant (Variation ID: 2190517). Invitae Evidence Modeling of protein sequence and biophysical properties (such as structural, functional, and spatial information, amino acid conservation, physicochemical variation, residue mobility, and thermodynamic stability) indicates that this missense variant is expected to disrupt SLC12A6 protein function with a positive predictive value of 80%. In summary, the available evidence is currently insufficient to determine the role of this variant in disease. Therefore, it has been classified as a Variant of Uncertain Significance.